The following is an entry in ClinVar:

NM_001267550.2(TTN):c.41581G>T (p.Glu13861Ter)

Gene: TTN (titin; minus strand). Cytogenetic location: 2q31.2.
Variant type: single nucleotide variant.
Coding change: c.41581G>T on transcript NM_001267550.2 (MANE Select); coding-DNA position 41581, G replaced by T.
Protein change: p.Glu13861Ter; replaces glutamic acid 13861 with a stop codon.
Molecular consequence: nonsense.
Genome position (GRCh38, 1-based): chr2:178,635,990, C>A on the plus strand (G>T on the coding strand, the complement: TTN is on the minus strand). VCF-style: chr2-178635990-C-A. GRCh37 (hg19) VCF-style: chr2-179500717-C-A.
Other names: c.36658G>T, p.Glu12220Ter (NM_001256850.1); c.14386G>T, p.Glu4796Ter (NM_003319.4); c.33877G>T, p.Glu11293Ter (NM_133378.4); c.14761G>T, p.Glu4921Ter (NM_133432.3); c.14962G>T, p.Glu4988Ter (NM_133437.4); c.41581G>T (NM_001267550.1); short protein forms E4796*, E11293*, E13861*, E4988*, E12220*, E4921*.
Identifiers: ClinVar variation 1395007 (VCV001395007.9), dbSNP rs2154230108, ClinGen allele CA349658052.
Genomic context (GRCh38, chr2:178,635,990, plus strand): 5'-AAGCAGAACGAAATCTCCCAGGAAAGTACTAACCTACTACTTTTACGCAAGATGAACACT[C>A]CAGGTTGTTGGCGTTTTCCACAGTAACTGTGTATGTTCCAGCATCTGTGTCATCTGCATC-3'

ClinVar aggregate classification (germline): Likely pathogenic. Review status: criteria provided, multiple submitters, no conflicts (2 of 4 stars). 3 submissions from 3 submitters: Likely pathogenic (3). Last evaluated 2025-04-15.

Conditions:
Cardiovascular phenotype. Identifiers: MedGen CN230736.
Dilated cardiomyopathy 1G (CMD1G). Identifiers: Orphanet 154, MedGen C1858763, MONDO:0011400, OMIM 604145.
Autosomal recessive limb-girdle muscular dystrophy type 2J (LGMDR10). Also called: Limb-girdle muscular dystrophy, type 2J; MUSCULAR DYSTROPHY, LIMB-GIRDLE, AUTOSOMAL RECESSIVE 10. Identifiers: Orphanet 140922, MedGen C1837342, MONDO:0012127, OMIM 608807.

Submissions (3):

Ambry Genetics
Classification: Likely pathogenic for Cardiovascular phenotype. Last evaluated: 2025-04-15. Review status: criteria provided, single submitter. Criteria: Ambry Variant Classification Scheme 2023. Collection method: clinical testing. Allele origin: germline.
Comment: The p.E4796* variant (also known as c.14386G>T), located in coding exon 53 of the TTN gene, results from a G to T substitution at nucleotide position 14386. This changes the amino acid from a glutamic acid to a stop codon within coding exon 53. This exon is located in the I-band region of the N2-B isoform of the titin protein and is constitutively expressed in TTN transcripts (percent spliced in or PSI 100%). This alteration is expected to result in loss of function by premature protein truncation or nonsense-mediated mRNA decay. While truncating variants in TTN are present in 1-3% of the general population, truncating variants in the A-band are the most common cause of dilated cardiomyopathy (DCM) (Herman DS et al. N. Engl. J. Med., 2012 Feb;366:619-28; Roberts AM et al. Sci Transl Med, 2015 Jan;7:270ra6). TTN truncating variants encoded in constitutive exons (PSI >90%) have been found to be significantly associated with DCM regardless of their position in titin (Schafer S et al. Nat. Genet., 2017 01;49:46-53). This variant is considered to be rare based on population cohorts in the Genome Aggregation Database (gnomAD). Based on the majority of available evidence to date, this variant is likely to be pathogenic.

Labcorp Genetics (formerly Invitae), Labcorp
Classification: Likely pathogenic for Dilated cardiomyopathy 1G; Autosomal recessive limb-girdle muscular dystrophy type 2J. Last evaluated: 2024-02-26. Review status: criteria provided, single submitter. Criteria: Invitae Variant Classification Sherloc (09022015). Collection method: clinical testing. Allele origin: germline.
Comment: This sequence change creates a premature translational stop signal (p.Glu13861*) in the TTN gene. While this is not anticipated to result in nonsense mediated decay, it is expected to create a truncated TTN protein. This variant is not present in population databases (gnomAD no frequency). This variant has not been reported in the literature in individuals affected with TTN-related conditions. ClinVar contains an entry for this variant (Variation ID: 1395007). This variant is located in the I band of TTN (PMID: 25589632). Truncating variants in this region have been reported in individuals affected with autosomal recessive centronuclear myopathy (PMID: 23975875, Invitae internal data). Truncating variants in this region have also been identified in individuals affected with autosomal dominant dilated cardiomyopathy and/or cardio-related conditions (PMID: 27869827, 32964742, Invitae internal data). In summary, the currently available evidence indicates that the variant is pathogenic, but additional data are needed to prove that conclusively. Therefore, this variant has been classified as Likely Pathogenic.

GeneDx
Classification: Likely pathogenic. Last evaluated: 2024-01-12. Review status: criteria provided, single submitter. Criteria: GeneDx Variant Classification Process June 2021. Collection method: clinical testing. Allele origin: germline. Affected: yes.
Comment: Not observed at significant frequency in large population cohorts (gnomAD); Has not been previously published as pathogenic or benign to our knowledge; Located in a region of TTN within the I-band in which the majority of loss of function variants are significantly associated with autosomal dominant titinopathies (PMID: 27625338, 27869827); This variant is associated with the following publications: (PMID: 27625338, 27869827)

Literature cited by the submitters: PubMed 25589632 (cited by Labcorp Genetics (formerly Invitae), Labcorp); PubMed 23975875 (cited by Labcorp Genetics (formerly Invitae), Labcorp); PubMed 27869827 (cited by Labcorp Genetics (formerly Invitae), Labcorp); PubMed 32964742 (cited by Labcorp Genetics (formerly Invitae), Labcorp).